The following is an entry in ClinVar:

NM_001080449.3(DNA2):c.2455G>T (p.Ala819Ser)

Gene: DNA2 (DNA replication helicase/nuclease 2; minus strand). Cytogenetic location: 10q21.3.
Variant type: single nucleotide variant.
Coding change: c.2455G>T on transcript NM_001080449.3 (MANE Select); coding-DNA position 2455, G replaced by T.
Protein change: p.Ala819Ser; replaces alanine 819 with serine.
Molecular consequence: missense variant. On other transcripts: non-coding transcript variant (1).
Genome position (GRCh38, 1-based): chr10:68,422,552, C>A on the plus strand (G>T on the coding strand, the complement: DNA2 is on the minus strand). VCF-style: chr10-68422552-C-A. GRCh37 (hg19) VCF-style: chr10-70182309-C-A.
Other names: short protein forms A819S.
Identifiers: ClinVar variation 1393635 (VCV001393635.6), dbSNP rs2133362120, ClinGen allele CA376847246.

ClinVar aggregate classification (germline): Uncertain significance (1 of 4 stars; one submission).

Submission:

Labcorp Genetics (formerly Invitae), Labcorp
Classification: Uncertain significance. Last evaluated: 2021-11-16. Review status: criteria provided, single submitter. Criteria: Invitae Variant Classification Sherloc (09022015). Collection method: clinical testing. Allele origin: germline.
Comment: This variant has not been reported in the literature in individuals affected with DNA2-related conditions. In summary, the available evidence is currently insufficient to determine the role of this variant in disease. Therefore, it has been classified as a Variant of Uncertain Significance. Algorithms developed to predict the effect of missense changes on protein structure and function are either unavailable or do not agree on the potential impact of this missense change (SIFT: "Tolerated"; PolyPhen-2: "Not Available"; Align-GVGD: "Class C0"). This variant is not present in population databases (gnomAD no frequency). This sequence change replaces alanine, which is neutral and non-polar, with serine, which is neutral and polar, at codon 819 of the DNA2 protein (p.Ala819Ser).